The following is an entry in ClinVar:

ClinVar aggregate classification (germline): Uncertain significance (1 of 4 stars; one submission).

Submission:

GeneDx
Classification: Uncertain significance. Last evaluated: 2019-10-22. Review status: criteria provided, single submitter. Criteria: GeneDx Variant Classification Process June 2021. Collection method: clinical testing. Allele origin: germline. Affected: yes.
Comment: Not observed in large population cohorts (Lek et al., 2016); In silico analysis, which includes protein predictors and evolutionary conservation, supports a deleterious effect; Has not been previously published as pathogenic or benign to our knowledge

NM_015474.4(SAMHD1):c.504T>A (p.Ser168Arg)

Gene: SAMHD1 (SAM and HD domain containing deoxynucleoside triphosphate triphosphohydrolase 1; minus strand). Cytogenetic location: 20q11.23.
Variant type: single nucleotide variant.
Coding change: c.504T>A on transcript NM_015474.4 (MANE Select); coding-DNA position 504, T replaced by A.
Protein change: p.Ser168Arg; replaces serine 168 with arginine.
Molecular consequence: missense variant.
Genome position (GRCh38, 1-based): chr20:36,935,034, A>T on the plus strand (T>A on the coding strand, the complement: SAMHD1 is on the minus strand). VCF-style: chr20-36935034-A-T. GRCh37 (hg19) VCF-style: chr20-35563437-A-T.
Other names: c.504T>A, p.Ser168Arg (NM_001363729.2, NM_001363733.2); short protein forms S168R.
Identifiers: ClinVar variation 1315907 (VCV001315907.2), dbSNP rs2146137350, ClinGen allele CA408822745.
Genomic context (GRCh38, chr20:36,935,034, plus strand): 5'-TGAGACAGAGAAAATACTTAAAAACTGCAAGTTCCCCACCCCATTCCCTTCTTACCCTAG[A>T]CTATGCTCAAATCGATTGTGTGAAGCTCCTGGAAAAACATAGTAACCACCTCCCAGCTGT-3'
Protein context (NP_056289.2, residues 158-178): PGASHNRFEH[Ser168Arg]LGVGYLAGCL